The following is an entry in ClinVar:

ClinVar aggregate classification (germline): Uncertain significance. Review status: criteria provided, multiple submitters, no conflicts (2 of 4 stars). 2 submissions from 2 submitters: Uncertain significance (2). Last evaluated 2025-06-04.

Conditions:
Cardiomyopathy (CMYO). Also called: Cardiomyopathies. Identifiers: Orphanet 167848, MedGen C0878544, MONDO:0004994, HP:0001638. Inheritance: Various modes of inheritance.
Catecholaminergic polymorphic ventricular tachycardia 1. Also called: RYR2-Related Catecholaminergic Polymorphic Ventricular Tachycardia; VENTRICULAR TACHYCARDIA, CATECHOLAMINERGIC POLYMORPHIC, 1, WITH OR WITHOUT ATRIAL DYSFUNCTION AND/OR DILATED CARDIOMYOPATHY; VENTRICULAR TACHYCARDIA, STRESS-INDUCED POLYMORPHIC 1. Identifiers: Orphanet 3286, MedGen C1631597, MONDO:0011484, OMIM 604772.

Allele frequency attached by ClinVar (database versions not stated): gnomAD exomes below 0.00001.
gnomAD v4.1: 1 of 1,610,772 alleles (0.000062%); highest among the groups gnomAD compares: Non-Finnish European, 0.000085%; no homozygotes.

Submissions (2):

Color Diagnostics, LLC DBA Color Health
Classification: Uncertain significance for Cardiomyopathy. Last evaluated: 2025-06-04. Review status: criteria provided, single submitter. Criteria: ACMG Guidelines, 2015. Collection method: clinical testing. Allele origin: germline.
Comment: This missense variant replaces glycine with glutamic acid at codon 2864 of the RYR2 protein. Computational prediction suggests that this variant may have a deleterious impact on protein structure and function. To our knowledge, functional studies have not been reported for this variant. This variant has not been reported in individuals affected with RYR2-related disorders in the literature. This variant has not been identified in the general population by the Genome Aggregation Database (gnomAD). The available evidence is insufficient to determine the role of this variant in disease conclusively. Therefore, this variant is classified as a Variant of Uncertain Significance.

Labcorp Genetics (formerly Invitae), Labcorp
Classification: Uncertain significance for Catecholaminergic polymorphic ventricular tachycardia 1. Last evaluated: 2021-05-04. Review status: criteria provided, single submitter. Criteria: Invitae Variant Classification Sherloc (09022015). Collection method: clinical testing. Allele origin: germline.
Comment: This sequence change replaces glycine with glutamic acid at codon 2864 of the RYR2 protein (p.Gly2864Glu). The glycine residue is highly conserved and there is a moderate physicochemical difference between glycine and glutamic acid. This variant is not present in population databases (ExAC no frequency). This variant has not been reported in the literature in individuals with RYR2-related conditions. ClinVar contains an entry for this variant (Variation ID: 629213). Algorithms developed to predict the effect of missense changes on protein structure and function (SIFT, PolyPhen-2, Align-GVGD) all suggest that this variant is likely to be disruptive, but these predictions have not been confirmed by published functional studies and their clinical significance is uncertain. Algorithms developed to predict the effect of sequence changes on RNA splicing suggest that this variant may disrupt the consensus splice site, but this prediction has not been confirmed by published transcriptional studies. In summary, the available evidence is currently insufficient to determine the role of this variant in disease. Therefore, it has been classified as a Variant of Uncertain Significance.

NM_001035.3(RYR2):c.8591G>A (p.Gly2864Glu)

Gene: RYR2 (ryanodine receptor 2; plus strand). Cytogenetic location: 1q43.
Variant type: single nucleotide variant.
Coding change: c.8591G>A on transcript NM_001035.3 (MANE Select); coding-DNA position 8591, G replaced by A.
Protein change: p.Gly2864Glu; replaces glycine 2864 with glutamic acid.
Molecular consequence: missense variant.
Genome position (GRCh38, 1-based): chr1:237,674,096, G>A. VCF-style: chr1-237674096-G-A. GRCh37 (hg19) VCF-style: chr1-237837396-G-A.
Other names: c.8591G>A, p.Gly2864Glu (LRG_402t1); short protein forms G2864E.
Identifiers: ClinVar variation 629213 (VCV000629213.12), dbSNP rs1186402933, ClinGen allele CA345402908.